The following is an entry in ClinVar:

NM_181840.1(KCNK18):c.218A>C (p.Glu73Ala)

Gene: KCNK18 (potassium two pore domain channel subfamily K member 18; plus strand). Cytogenetic location: 10q25.3.
Variant type: single nucleotide variant.
Coding change: c.218A>C on transcript NM_181840.1 (MANE Select); coding-DNA position 218, A replaced by C.
Protein change: p.Glu73Ala; replaces glutamic acid 73 with alanine.
Molecular consequence: missense variant.
Genome position (GRCh38, 1-based): chr10:117,197,706, A>C. VCF-style: chr10-117197706-A-C. GRCh37 (hg19) VCF-style: chr10-118957217-A-C.
Other names: short protein forms E73A.
Identifiers: ClinVar variation 3038333 (VCV003038333.3), dbSNP rs531334166, ClinGen allele CA5709893.

ClinVar aggregate classification (germline): Likely benign. Review status: criteria provided, single submitter (1 of 4 stars). 2 submissions from 2 submitters: Likely benign (1). 1 of the submissions does not count toward it. Last evaluated 2024-11-07.

Conditions:
KCNK18-related disorder. Also called: KCNK18-related condition.

Allele frequency attached by ClinVar (database versions not stated): TOPMed 0.00005; gnomAD 0.00021; gnomAD exomes 0.00036; ExAC 0.00086; 1000 Genomes Project 0.00200; 1000 Genomes Project 30x 0.00203.

Submissions (2):

Blueprint Genetics
Classification: Likely benign. Last evaluated: 2024-11-07. Review status: criteria provided, single submitter. Criteria: ACMG Guidelines, 2015. Collection method: clinical testing. Allele origin: germline.

PreventionGenetics, part of Exact Sciences
Classification: Likely benign for KCNK18-related condition. Last evaluated: 2019-05-07. Review status: no assertion criteria provided. Collection method: clinical testing. Allele origin: germline. Not counted in ClinVar's aggregate classification.
Comment: This variant is classified as likely benign based on ACMG/AMP sequence variant interpretation guidelines (Richards et al. 2015 PMID: 25741868, with internal and published modifications).